The following is an entry in ClinVar:

ClinVar aggregate classification (germline): Uncertain significance (1 of 4 stars; one submission).

Submission:

Labcorp Genetics (formerly Invitae), Labcorp
Classification: Uncertain significance. Last evaluated: 2023-10-03. Review status: criteria provided, single submitter. Criteria: Invitae Variant Classification Sherloc (09022015). Collection method: clinical testing. Allele origin: germline.
Comment: This sequence change replaces valine, which is neutral and non-polar, with leucine, which is neutral and non-polar, at codon 905 of the MCM3AP protein (p.Val905Leu). This variant is not present in population databases (gnomAD no frequency). This variant has not been reported in the literature in individuals affected with MCM3AP-related conditions. ClinVar contains an entry for this variant (Variation ID: 1386965). An algorithm developed to predict the effect of missense changes on protein structure and function (PolyPhen-2) suggests that this variant is likely to be disruptive. In summary, the available evidence is currently insufficient to determine the role of this variant in disease. Therefore, it has been classified as a Variant of Uncertain Significance.

NM_003906.5(MCM3AP):c.2713G>T (p.Val905Leu)

Gene: MCM3AP (minichromosome maintenance complex component 3 associated protein; minus strand). Cytogenetic location: 21q22.3.
Variant type: single nucleotide variant.
Coding change: c.2713G>T on transcript NM_003906.5 (MANE Select); coding-DNA position 2713, G replaced by T.
Protein change: p.Val905Leu; replaces valine 905 with leucine.
Molecular consequence: missense variant.
Genome position (GRCh38, 1-based): chr21:46,267,058, C>A on the plus strand (G>T on the coding strand, the complement: MCM3AP is on the minus strand). VCF-style: chr21-46267058-C-A. GRCh37 (hg19) VCF-style: chr21-47686972-C-A.
Other names: short protein forms V905L.
Identifiers: ClinVar variation 1386965 (VCV001386965.6), dbSNP rs1307797700, ClinGen allele CA410563955.